The following is an entry in ClinVar:

NM_000089.4(COL1A2):c.1550G>T (p.Gly517Val)

Gene: COL1A2 (collagen type I alpha 2 chain; plus strand). Cytogenetic location: 7q21.3.
Variant type: single nucleotide variant.
Coding change: c.1550G>T on transcript NM_000089.4 (MANE Select); coding-DNA position 1550, G replaced by T.
Protein change: p.Gly517Val; replaces glycine 517 with valine.
Molecular consequence: missense variant.
Genome position (GRCh38, 1-based): chr7:94,413,129, G>T. VCF-style: chr7-94413129-G-T. GRCh37 (hg19) VCF-style: chr7-94042441-G-T.
Other names: short protein forms G517V.
Identifiers: ClinVar variation 3755803 (VCV003755803.3).

ClinVar aggregate classification (germline): Pathogenic. Review status: criteria provided, multiple submitters, no conflicts (2 of 4 stars). 2 submissions from 2 submitters: Pathogenic (2). Last evaluated 2024-04-16.

Conditions:
Osteogenesis imperfecta type III (OI3). Also called: Osteogenesis imperfecta type 3; OI type 3; Osteogenesis imperfecta, progressively deforming with normal sclerae; OI type III; Progressively Deforming Osteogenesis Imperfecta. Identifiers: Orphanet 216812, Orphanet 666, MedGen C0268362, MONDO:0009804, OMIM 259420.
Ehlers-Danlos syndrome, classic type, 1 (EDSCL1). Also called: EHLERS-DANLOS SYNDROME, GRAVIS TYPE; EHLERS-DANLOS SYNDROME, SEVERE CLASSIC TYPE; Ehlers-Danlos syndrome, type 1; Ehlers-Danlos Syndrome, Classic Type, COL5A1-Related; EDS I. Identifiers: MedGen C0268335, MONDO:0019567, OMIM 130000.
Osteogenesis imperfecta type I (OI1). Also called: OI, TYPE I; OSTEOGENESIS IMPERFECTA TARDA; OSTEOGENESIS IMPERFECTA WITH BLUE SCLERAE; Osteogenesis imperfecta type 1; Lobstein's Disease; Lobstein disease. Identifiers: Orphanet 216796, Orphanet 666, MedGen C0023931, MONDO:0008146, OMIM 166200. Disease mechanism: loss of function.

Submissions (2):

Labcorp Genetics (formerly Invitae), Labcorp
Classification: Pathogenic for Osteogenesis imperfecta type I; Ehlers-Danlos syndrome, classic type, 1. Last evaluated: 2024-04-16. Review status: criteria provided, single submitter. Criteria: Invitae Variant Classification Sherloc (09022015). Collection method: clinical testing. Allele origin: germline.
Comment: This sequence change replaces glycine, which is neutral and non-polar, with valine, which is neutral and non-polar, at codon 517 of the COL1A2 protein (p.Gly517Val). This variant is not present in population databases (gnomAD no frequency). This variant has not been reported in the literature in individuals affected with COL1A2-related conditions. Advanced modeling of protein sequence and biophysical properties (such as structural, functional, and spatial information, amino acid conservation, physicochemical variation, residue mobility, and thermodynamic stability) performed at Invitae indicates that this missense variant is expected to disrupt COL1A2 protein function with a positive predictive value of 95%. This variant disrupts the triple helix domain of COL1A2. Glycine residues within the Gly-Xaa-Yaa repeats of the triple helix domain are required for the structure and stability of fibrillar collagens (PMID: 7695699, 8218237, 19344236). In COL1A2, variants affecting these glycine residues are significantly enriched in individuals with disease (PMID: 9016532, 17078022) compared to the general population (ExAC). This variant disrupts the p.Gly517 amino acid residue in COL1A2. Other variant(s) that disrupt this residue have been observed in individuals with COL1A2-related conditions (PMID: 24668929, 27509835), which suggests that this may be a clinically significant amino acid residue. For these reasons, this variant has been classified as Pathogenic.

Clinical Biomedical Laboratory, Shriners Hospital For Children - Canada
Classification: Pathogenic for Osteogenesis imperfecta type III. Review status: criteria provided, single submitter. Criteria: ACMG Guidelines, 2015. Collection method: clinical testing. Allele origin: germline. Affected: yes.
Comment: Computational tools (REVEL: 0.991) suggest that the amino acid change is deleterious to protein function. Defects in this gene are associated with Osteogenesis imperfecta, which is consistent with the clinical diagnosis of the proband. This variant is absent from gnomAD (v.2.1.1), indicating it is very rare. Based on the ACMG criteria (criteria: PS3, PM2, PM5, PP2, PP3, PP4), the available evidence supports classification of this variant as pathogenic.

Literature cited by the submitters: PubMed 7695699 (cited by Labcorp Genetics (formerly Invitae), Labcorp); PubMed 8218237 (cited by Labcorp Genetics (formerly Invitae), Labcorp); PubMed 19344236 (cited by Labcorp Genetics (formerly Invitae), Labcorp); PubMed 9016532 (cited by Labcorp Genetics (formerly Invitae), Labcorp); PubMed 17078022 (cited by Labcorp Genetics (formerly Invitae), Labcorp); PubMed 24668929 (cited by Labcorp Genetics (formerly Invitae), Labcorp); PubMed 27509835 (cited by Labcorp Genetics (formerly Invitae), Labcorp).